The following is an entry in ClinVar:

ClinVar aggregate classification (germline): Conflicting classifications of pathogenicity. Review status: criteria provided, conflicting classifications (1 of 4 stars). 3 submissions from 3 submitters: Pathogenic (1); Likely pathogenic (1); Uncertain significance (1). Last evaluated 2024-02-26.

Conditions:
Mucopolysaccharidosis, MPS-IV-A (MPS4A). Also called: Mucopolysaccharidosis type IV A; Mucopolysaccharidosis Type IVA; Morquio syndrome A, mild; MORQUIO SYNDROME A; MPS IVA; mucopolysaccharidosis type 4A. Identifiers: Orphanet 309297, Orphanet 582, MedGen C0086651, MONDO:0009659, OMIM 253000.

Allele frequency attached by ClinVar (database versions not stated): gnomAD exomes below 0.00001.
gnomAD v4.1: 1 of 1,614,018 alleles (0.000062%); highest among the groups gnomAD compares: Non-Finnish European, 0.000085%; no homozygotes.

Submissions (3):

MVZ Medizinische Genetik Mainz
Classification: Pathogenic for Mucopolysaccharidosis, MPS-IV-A. Last evaluated: 2024-02-26. Review status: criteria provided, single submitter. Criteria: UK Practice Guidelines For Variant Classification V4 01 2020. Collection method: clinical testing. Allele origin: germline. Inheritance: Autosomal recessive inheritance. Affected: yes. Observed: 1 variant allele.
Comment: ACMG Criteria: PP3_STR,PM3,PM5,PM2_SUP,PP4

Labcorp Genetics (formerly Invitae), Labcorp
Classification: Likely pathogenic for Mucopolysaccharidosis, MPS-IV-A. Last evaluated: 2022-08-11. Review status: criteria provided, single submitter. Criteria: Invitae Variant Classification Sherloc (09022015). Collection method: clinical testing. Allele origin: germline.
Comment: In summary, the currently available evidence indicates that the variant is pathogenic, but additional data are needed to prove that conclusively. Therefore, this variant has been classified as Likely Pathogenic. This variant disrupts the p.Gly155 amino acid residue in GALNS. Other variant(s) that disrupt this residue have been determined to be pathogenic (PMID: 9298823, 24120057, 32024277). This suggests that this residue is clinically significant, and that variants that disrupt this residue are likely to be disease-causing. Advanced modeling of protein sequence and biophysical properties (such as structural, functional, and spatial information, amino acid conservation, physicochemical variation, residue mobility, and thermodynamic stability) performed at Invitae indicates that this missense variant is expected to disrupt GALNS protein function. ClinVar contains an entry for this variant (Variation ID: 1048462). This missense change has been observed in individual(s) with Mucopolysaccharidosis type IVA (PMID: 15235041, 29275451). This variant is not present in population databases (gnomAD no frequency). This sequence change replaces glycine, which is neutral and non-polar, with glutamic acid, which is acidic and polar, at codon 155 of the GALNS protein (p.Gly155Glu).

Laboratory of Diagnosis and Therapy of Lysosomal Disorders, University of Padova
Classification: Uncertain significance for Mucopolysaccharidosis, MPS-IV-A. Last evaluated: 2021-02-01. Review status: criteria provided, single submitter. Criteria: ACMG Guidelines, 2015. Collection method: curation. Allele origin: germline. Affected: yes.
Comment: Absent from gnomAD v2.1.1 (PM2_moderate); multiple lines of computational evidence support a deleterious effect on the gene (PP3_supporting)

Literature cited by the submitters: PubMed 9298823 (cited by Labcorp Genetics (formerly Invitae), Labcorp); PubMed 24120057 (cited by Labcorp Genetics (formerly Invitae), Labcorp); PubMed 32024277 (cited by Labcorp Genetics (formerly Invitae), Labcorp); PubMed 15235041 (cited by Labcorp Genetics (formerly Invitae), Labcorp and Laboratory of Diagnosis and Therapy of Lysosomal Disorders, University of Padova); PubMed 29275451 (cited by Labcorp Genetics (formerly Invitae), Labcorp and Laboratory of Diagnosis and Therapy of Lysosomal Disorders, University of Padova); PubMed 30927141 (cited by Laboratory of Diagnosis and Therapy of Lysosomal Disorders, University of Padova); PubMed 34387910 (cited by Laboratory of Diagnosis and Therapy of Lysosomal Disorders, University of Padova).

NM_000512.5(GALNS):c.464G>A (p.Gly155Glu)

Gene: GALNS (galactosamine (N-acetyl)-6-sulfatase; minus strand). Cytogenetic location: 16q24.3.
Variant type: single nucleotide variant.
Coding change: c.464G>A on transcript NM_000512.5 (MANE Select); coding-DNA position 464, G replaced by A.
Protein change: p.Gly155Glu; replaces glycine 155 with glutamic acid.
Molecular consequence: missense variant. On other transcripts: 5 prime UTR variant (1).
Genome position (GRCh38, 1-based): chr16:88,837,724, C>T on the plus strand (G>A on the coding strand, the complement: GALNS is on the minus strand). VCF-style: chr16-88837724-C-T. GRCh37 (hg19) VCF-style: chr16-88904132-C-T.
Other names: c.-92G>A (NM_001323543.2); c.482G>A, p.Gly161Glu (NM_001323544.2); short protein forms G155E, G161E.
Identifiers: ClinVar variation 1048462 (VCV001048462.9), dbSNP rs2143002437, ClinGen allele CA397083343.